The following is an entry in ClinVar:

ClinVar aggregate classification (germline): Uncertain significance (1 of 4 stars; one submission).

Conditions:
Charcot-Marie-Tooth disease axonal type 2C (HMSN2C). Also called: CHARCOT-MARIE-TOOTH DISEASE, AXONAL, AUTOSOMAL DOMINANT, TYPE 2C; Charcot-Marie-Tooth Neuropathy Type 2C; Charcot-Marie-Tooth Disease Type 2, TRPV4-Related (CMT2C). Identifiers: Orphanet 99937, MedGen C1853710, MONDO:0011633, OMIM 606071.

Submission:

Labcorp Genetics (formerly Invitae), Labcorp
Classification: Uncertain significance for Charcot-Marie-Tooth disease axonal type 2C. Last evaluated: 2022-02-14. Review status: criteria provided, single submitter. Criteria: Invitae Variant Classification Sherloc (09022015). Collection method: clinical testing. Allele origin: germline.
Comment: In summary, the available evidence is currently insufficient to determine the role of this variant in disease. Therefore, it has been classified as a Variant of Uncertain Significance. Advanced modeling of protein sequence and biophysical properties (such as structural, functional, and spatial information, amino acid conservation, physicochemical variation, residue mobility, and thermodynamic stability) performed at Invitae indicates that this missense variant is not expected to disrupt TRPV4 protein function. This variant has not been reported in the literature in individuals affected with TRPV4-related conditions. This variant is not present in population databases (gnomAD no frequency). This sequence change replaces asparagine, which is neutral and polar, with serine, which is neutral and polar, at codon 81 of the TRPV4 protein (p.Asn81Ser).

NM_021625.5(TRPV4):c.242A>G (p.Asn81Ser)

Gene: TRPV4 (transient receptor potential cation channel subfamily V member 4; minus strand). Cytogenetic location: 12q24.11.
Variant type: single nucleotide variant.
Coding change: c.242A>G on transcript NM_021625.5 (MANE Select); coding-DNA position 242, A replaced by G.
Protein change: p.Asn81Ser; replaces asparagine 81 with serine.
Molecular consequence: missense variant.
Genome position (GRCh38, 1-based): chr12:109,814,555, T>C on the plus strand (A>G on the coding strand, the complement: TRPV4 is on the minus strand). VCF-style: chr12-109814555-T-C. GRCh37 (hg19) VCF-style: chr12-110252360-T-C.
Other names: c.242A>G, p.Asn81Ser (NM_001177428.2, NM_001177433.2, NM_147204.3); c.140A>G, p.Asn47Ser (NM_001177431.2); short protein forms N47S, N81S.
Identifiers: ClinVar variation 1405361 (VCV001405361.8), dbSNP rs2136660218, ClinGen allele CA386660524.